The following is an entry in ClinVar:

NM_000043.6(FAS):c.20T>C (p.Leu7Pro)

Genes: ACTA2 (actin alpha 2, smooth muscle; minus strand), FAS (Fas cell surface death receptor; plus strand). Cytogenetic location: 10q23.31.
Variant type: single nucleotide variant.
Coding change: c.20T>C on transcript NM_000043.6 (MANE Select); coding-DNA position 20, T replaced by C.
Protein change: p.Leu7Pro; replaces leucine 7 with proline.
Molecular consequence: missense variant. On other transcripts: non-coding transcript variant (5), intron variant (7).
Genome position (GRCh38, 1-based): chr10:88,990,896, T>C. VCF-style: chr10-88990896-T-C. GRCh37 (hg19) VCF-style: chr10-90750653-T-C.
Other names: c.20T>C, p.Leu7Pro (NM_001320619.2, NM_152871.4, NM_152872.4); c.-24+126A>G (NM_001406467.1, NM_001320855.2); c.-182+126A>G (NM_001406462.1); c.-24+43A>G (NM_001406468.1, NM_001406471.1, NM_001141945.3); c.-182+43A>G (NM_001406463.1); short protein forms L7P.
Identifiers: ClinVar variation 1213255 (VCV001213255.10), dbSNP rs2133384423, ClinGen allele CA377505811.
Genomic context (GRCh38, chr10:88,990,896, plus strand): 5'-GTTGGGGAAGCTCTTTCACTTCGGAGGATTGCTCAACAACCATGCTGGGCATCTGGACCC[T>C]CCTACCTCTGGTGAGCCCTCTCCTGCCCGGGTGGAGGCTTACCCCGTCTTAGTCCCGGGG-3'
Protein context (NP_000034.1, residues 1-17): MLGIWT[Leu7Pro]LPLVLTSVAR

ClinVar aggregate classification (germline): Likely pathogenic. Review status: criteria provided, multiple submitters, no conflicts (2 of 4 stars). 3 submissions from 3 submitters: Likely pathogenic (3). Last evaluated 2026-03-06.

Conditions:
FAS-related disorder. Also called: FAS-related condition.
Autoimmune lymphoproliferative syndrome type 1. Also called: AUTOIMMUNE LYMPHOPROLIFERATIVE SYNDROME, TYPE I, AUTOSOMAL DOMINANT. Identifiers: Orphanet 3261, MedGen C2717884, MONDO:0011158, OMIM 601859.

Allele frequency attached by ClinVar (database versions not stated): gnomAD exomes below 0.00001.
gnomAD v4.1: 2 of 1,614,216 alleles (0.00012%); highest among the groups gnomAD compares: Non-Finnish European, 0.00017%; no homozygotes.

Submissions (3):

PreventionGenetics, part of Exact Sciences
Classification: Likely pathogenic for FAS-related condition. Last evaluated: 2026-03-06. Review status: criteria provided, single submitter. Criteria: ACMG Guidelines, 2015. Collection method: clinical testing. Allele origin: germline.
Comment: The FAS c.20T>C variant is predicted to result in the amino acid substitution p.Leu7Pro. This variant has been reported in individuals with autoimmune lymphoproliferative syndrome (Hsu et al. 2012. PubMed ID: 22237435; Xu et al. 2024. PubMed ID: 39060684). Additional functional studies showed that this variant impacted protein function (Hsu et al. 2012. PubMed ID: 22237435). This variant has not been reported in a large population database (gnomAD), indicating this variant is rare. This variant is interpreted as likely pathogenic.

Labcorp Genetics (formerly Invitae), Labcorp
Classification: Likely pathogenic for Autoimmune lymphoproliferative syndrome. Last evaluated: 2023-05-20. Review status: criteria provided, single submitter. Criteria: Invitae Variant Classification Sherloc (09022015). Collection method: clinical testing. Allele origin: germline.
Comment: ClinVar contains an entry for this variant (Variation ID: 1213255). In summary, the currently available evidence indicates that the variant is pathogenic, but additional data are needed to prove that conclusively. Therefore, this variant has been classified as Likely Pathogenic. Experimental studies have shown that this missense change affects FAS function (PMID: 22237435). An algorithm developed to predict the effect of missense changes on protein structure and function (PolyPhen-2) suggests that this variant is likely to be disruptive. This missense change has been observed in individual(s) with autoimmune lymphoproliferative syndrome (PMID: 22237435). This variant is not present in population databases (gnomAD no frequency). This sequence change replaces leucine, which is neutral and non-polar, with proline, which is neutral and non-polar, at codon 7 of the FAS protein (p.Leu7Pro).

GeneDx
Classification: Likely pathogenic. Last evaluated: 2019-10-09. Review status: criteria provided, single submitter. Criteria: GeneDx Variant Classification Process June 2021. Collection method: clinical testing. Allele origin: germline. Affected: yes.
Comment: Published functional studies demonstrate impaired cell surface localization, ligand binding, and ligand-induced apoptosis (Hsu et al., 2012); Not observed in large population cohorts (Lek et al., 2016); Observed in two unrelated patients in published literature with autoimmune lymphoproliferative syndrome, but further clinical information and segregation information was not provided (Hsu et al., 2012); This variant is associated with the following publications: (PMID: 22237435)

Literature cited by the submitters: PubMed 22237435 (cited by Labcorp Genetics (formerly Invitae), Labcorp).